The following is an entry in ClinVar:

ClinVar aggregate classification (germline): Pathogenic (1 of 4 stars; one submission).

Conditions:
Osteogenesis imperfecta type III (OI3). Also called: Progressively Deforming Osteogenesis Imperfecta; Osteogenesis imperfecta type 3; OI type 3; Osteogenesis imperfecta, progressively deforming with normal sclerae; OI type III. Identifiers: Orphanet 216812, Orphanet 666, MedGen C0268362, MONDO:0009804, OMIM 259420.

Submission:

Clinical Biomedical Laboratory, Shriners Hospital For Children - Canada
Classification: Pathogenic for Osteogenesis imperfecta type III. Last evaluated: 2025-07-16. Review status: criteria provided, single submitter. Criteria: ACMG Guidelines, 2015. Collection method: clinical testing. Allele origin: germline. Affected: yes.
Comment: This variant is predicted to substitute a glycine residue by an aspartic acid residue in the alpha 2 chain of collagen type I. Glycine substitutions in the triple helical domain of collagen type I cause disruption in the formation of the triple helix in the collagen molecule and are a typical cause of osteogenesis imperfecta. This variant is absent from the Genome Aggregation Database v.2.1.1, indicating it is very rare. Prediction tools (REVEL: 0.97) suggest that the change is detrimental to protein function.

NM_000089.4(COL1A2):c.686G>A (p.Gly229Asp)

Gene: COL1A2 (collagen type I alpha 2 chain; plus strand). Cytogenetic location: 7q21.3.
Variant type: single nucleotide variant.
Coding change: c.686G>A on transcript NM_000089.4 (MANE Select); coding-DNA position 686, G replaced by A.
Protein change: p.Gly229Asp; replaces glycine 229 with aspartic acid.
Molecular consequence: missense variant.
Genome position (GRCh38, 1-based): chr7:94,408,229, G>A. VCF-style: chr7-94408229-G-A. GRCh37 (hg19) VCF-style: chr7-94037541-G-A.
Other names: short protein forms G229D.
Identifiers: ClinVar variation 4075359 (VCV004075359.1).